The following is an entry in ClinVar:

ClinVar aggregate classification (germline): Pathogenic (1 of 4 stars; one submission).

Conditions:
Cardiovascular phenotype. Identifiers: MedGen CN230736.

Submission:

Ambry Genetics
Classification: Pathogenic for Cardiovascular phenotype. Last evaluated: 2018-10-25. Review status: criteria provided, single submitter. Criteria: Ambry Variant Classification Scheme 2023. Collection method: clinical testing. Allele origin: germline.
Comment: The p.S10* variant (also known as c.29C>A), located in coding exon 2 of the MYBPC3 gene, results from a C to A substitution at nucleotide position 29. This changes the amino acid from a serine to a stop codon within coding exon 2. This alteration is expected to result in loss of function by premature protein truncation or nonsense-mediated mRNA decay. As such, this alteration is interpreted as a disease-causing mutation.

NM_000256.3(MYBPC3):c.29C>A (p.Ser10Ter)

Gene: MYBPC3 (myosin binding protein C3; minus strand). Cytogenetic location: 11p11.2.
Variant type: single nucleotide variant.
Coding change: c.29C>A on transcript NM_000256.3 (MANE Select); coding-DNA position 29, C replaced by A.
Protein change: p.Ser10Ter; replaces serine 10 with a stop codon.
Molecular consequence: nonsense.
Genome position (GRCh38, 1-based): chr11:47,351,502, G>T on the plus strand (C>A on the coding strand, the complement: MYBPC3 is on the minus strand). VCF-style: chr11-47351502-G-T. GRCh37 (hg19) VCF-style: chr11-47373053-G-T.
Other names: short protein forms S10*.
Identifiers: ClinVar variation 1798631 (VCV001798631.2), dbSNP rs2495786759, ClinGen allele CA380342071.
Genomic context (GRCh38, chr11:47,351,502, plus strand): 5'-TCGAACACGGCAGGGCTGCCTGCGGCCACTTCCACTGACCGTGGCTTCTTGCTAAAAGCT[G>T]AGACTGAAGGGCCAGGTGGAGGCTACAGCGGCCCCTGGTTGGAGCGTGCACCCCGCCCCT-3'